The following is an entry in ClinVar:

NM_025074.7(FRAS1):c.874C>G (p.Arg292Gly)

Gene: FRAS1 (Fraser extracellular matrix complex subunit 1; plus strand). Cytogenetic location: 4q21.21.
Variant type: single nucleotide variant.
Coding change: c.874C>G on transcript NM_025074.7 (MANE Select); coding-DNA position 874, C replaced by G.
Protein change: p.Arg292Gly; replaces arginine 292 with glycine.
Molecular consequence: missense variant.
Genome position (GRCh38, 1-based): chr4:78,267,325, C>G. VCF-style: chr4-78267325-C-G. GRCh37 (hg19) VCF-style: chr4-79188479-C-G.
Other names: c.874C>G, p.Arg292Gly (NM_001166133.2); c.874C>G (NM_025074.6); short protein forms R292G.
Identifiers: ClinVar variation 2073904 (VCV002073904.4), dbSNP rs368173429, ClinGen allele CA2976105.

ClinVar aggregate classification (germline): Uncertain significance. Review status: criteria provided, multiple submitters, no conflicts (2 of 4 stars). 4 submissions from 4 submitters: Uncertain significance (4). Last evaluated 2025-08-07.

Conditions:
Inborn genetic diseases. Identifiers: MedGen C0950123, MeSH D030342.
Fraser syndrome 1 (FRASRS1). Also called: CRYPTOPHTHALMOS WITH OTHER MALFORMATIONS. Identifiers: Orphanet 2052, MedGen C4551480, MONDO:0054737, OMIM 219000.

gnomAD v4.1: 51 of 1,613,484 alleles (0.0032%); highest among the groups gnomAD compares: African/African-American, 0.064%; no homozygotes.

Submissions (4):

Ambry Genetics
Classification: Uncertain significance for Inborn genetic diseases. Last evaluated: 2025-08-07. Review status: criteria provided, single submitter. Criteria: Ambry Variant Classification Scheme 2023. Collection method: clinical testing. Allele origin: germline.

Blueprint Genetics
Classification: Uncertain significance. Last evaluated: 2024-06-25. Review status: criteria provided, single submitter. Criteria: ACMG Guidelines, 2015. Collection method: clinical testing. Allele origin: germline.

Fulgent Genetics
Classification: Uncertain significance for Fraser syndrome 1. Last evaluated: 2024-01-21. Review status: criteria provided, single submitter. Criteria: ACMG Guidelines, 2015. Collection method: clinical testing. Allele origin: germline.

Labcorp Genetics (formerly Invitae), Labcorp
Classification: Uncertain significance. Last evaluated: 2022-04-08. Review status: criteria provided, single submitter. Criteria: Invitae Variant Classification Sherloc (09022015). Collection method: clinical testing. Allele origin: germline.
Comment: This sequence change replaces arginine, which is basic and polar, with glycine, which is neutral and non-polar, at codon 292 of the FRAS1 protein (p.Arg292Gly). This variant is present in population databases (rs368173429, gnomAD 0.05%). This variant has not been reported in the literature in individuals affected with FRAS1-related conditions. Algorithms developed to predict the effect of missense changes on protein structure and function are either unavailable or do not agree on the potential impact of this missense change (SIFT: "Deleterious"; PolyPhen-2: "Possibly Damaging"; Align-GVGD: "Class C0"). In summary, the available evidence is currently insufficient to determine the role of this variant in disease. Therefore, it has been classified as a Variant of Uncertain Significance.